The following is an entry in ClinVar:

ClinVar aggregate classification (germline): Uncertain significance. Review status: criteria provided, multiple submitters, no conflicts (2 of 4 stars). 3 submissions from 3 submitters: Uncertain significance (3). Last evaluated 2026-01-11.

Conditions:
Familial cancer of breast. Also called: hereditary breast carcinoma; Hereditary breast cancer; BREAST CANCER, FAMILIAL. Identifiers: Orphanet 227535, MedGen C0346153, MONDO:0016419, OMIM 114480. Disease mechanism: loss of function.
Breast-ovarian cancer, familial, susceptibility to, 5 (BROVCA5). Identifiers: MedGen C5830615, MONDO:0957530, OMIM 620442.
Hereditary cancer-predisposing syndrome. Also called: Hereditary Cancer Syndrome; Neoplastic Syndromes, Hereditary; Tumor predisposition; Hereditary neoplastic syndrome. Identifiers: Orphanet 140162, MedGen C0027672, MeSH D009386, MONDO:0015356.

Allele frequency attached by ClinVar (database versions not stated): TOPMed 0.00001.

Submissions (3):

Dasa
Classification: Uncertain significance for Breast-ovarian cancer, familial, susceptibility to, 5. Last evaluated: 2026-01-11. Review status: criteria provided, single submitter. Criteria: DASA Assertion Criteria. Collection method: clinical testing. Allele origin: germline.
Comment: NM_024675.4(PALB2):c.695G>T (p.Gly232Val) is a missense variant that results in the substitution of glycine with valine. This variant is absent from population databases. The currently available literature and clinical evidence are not sufficient to establish a definitive association between this variant and the reported condition. Therefore, this variant is classified as a variant of uncertain significance.

Labcorp Genetics (formerly Invitae), Labcorp
Classification: Uncertain significance for Familial cancer of breast. Last evaluated: 2024-02-07. Review status: criteria provided, single submitter. Criteria: Invitae Variant Classification Sherloc (09022015). Collection method: clinical testing. Allele origin: germline.
Comment: This sequence change replaces glycine, which is neutral and non-polar, with valine, which is neutral and non-polar, at codon 232 of the PALB2 protein (p.Gly232Val). This variant is not present in population databases (gnomAD no frequency). This variant has not been reported in the literature in individuals affected with PALB2-related conditions. ClinVar contains an entry for this variant (Variation ID: 826727). An algorithm developed to predict the effect of missense changes on protein structure and function (PolyPhen-2) suggests that this variant is likely to be tolerated. In summary, the available evidence is currently insufficient to determine the role of this variant in disease. Therefore, it has been classified as a Variant of Uncertain Significance.

Ambry Genetics
Classification: Uncertain significance for Hereditary cancer-predisposing syndrome. Last evaluated: 2018-09-08. Review status: criteria provided, single submitter. Criteria: Ambry Variant Classification Scheme 2023. Collection method: clinical testing. Allele origin: germline.
Comment: The p.G232V variant (also known as c.695G>T), located in coding exon 4 of the PALB2 gene, results from a G to T substitution at nucleotide position 695. The glycine at codon 232 is replaced by valine, an amino acid with dissimilar properties. This amino acid position is poorly conserved in available vertebrate species. In addition, this alteration is predicted to be tolerated by in silico analysis. Since supporting evidence is limited at this time, the clinical significance of this alteration remains unclear.

NM_024675.4(PALB2):c.695G>T (p.Gly232Val)

Gene: PALB2 (partner and localizer of BRCA2; minus strand). Cytogenetic location: 16p12.2.
Variant type: single nucleotide variant.
Coding change: c.695G>T on transcript NM_024675.4 (MANE Select); coding-DNA position 695, G replaced by T.
Protein change: p.Gly232Val; replaces glycine 232 with valine.
Molecular consequence: missense variant.
Genome position (GRCh38, 1-based): chr16:23,635,851, C>A on the plus strand (G>T on the coding strand, the complement: PALB2 is on the minus strand). VCF-style: chr16-23635851-C-A. GRCh37 (hg19) VCF-style: chr16-23647172-C-A.
Other names: short protein forms G232V.
Identifiers: ClinVar variation 826727 (VCV000826727.15), dbSNP rs1365024903, ClinGen allele CA395136390.